The following is an entry in ClinVar:

ClinVar aggregate classification (germline): Uncertain significance (1 of 4 stars; one submission).

gnomAD v4.1: 6 of 1,612,052 alleles (0.00037%); highest among the groups gnomAD compares: Non-Finnish European, 0.00051%; no homozygotes.

Submission:

GeneDx
Classification: Uncertain significance. Last evaluated: 2024-12-31. Review status: criteria provided, single submitter. Criteria: GeneDx Variant Classification Process June 2021. Collection method: clinical testing. Allele origin: germline. Affected: yes.
Comment: Not observed at significant frequency in large population cohorts (gnomAD); In silico analysis supports that this missense variant has a deleterious effect on protein structure/function; Has not been previously published as pathogenic or benign to our knowledge

NM_000719.7(CACNA1C):c.428T>C (p.Ile143Thr)

Gene: CACNA1C (calcium voltage-gated channel subunit alpha1 C; plus strand). Cytogenetic location: 12p13.33.
Variant type: single nucleotide variant.
Coding change: c.428T>C on transcript NM_000719.7 (MANE Select); coding-DNA position 428, T replaced by C.
Protein change: p.Ile143Thr; replaces isoleucine 143 with threonine.
Molecular consequence: missense variant.
Genome position (GRCh38, 1-based): chr12:2,120,381, T>C. VCF-style: chr12-2120381-T-C. GRCh37 (hg19) VCF-style: chr12-2229547-T-C.
Other names: c.428T>C, p.Ile143Thr (NM_001129827.2, NM_001129829.2, NM_001129830.3 and 19 more transcripts); short protein forms I143T.
Identifiers: ClinVar variation 4055881 (VCV004055881.1).